The following is an entry in ClinVar:

NM_001130145.3(YAP1):c.1232G>A (p.Arg411Gln)

Gene: YAP1 (Yes1 associated transcriptional regulator; plus strand). Cytogenetic location: 11q22.1.
Variant type: single nucleotide variant.
Coding change: c.1232G>A on transcript NM_001130145.3 (MANE Select); coding-DNA position 1232, G replaced by A.
Protein change: p.Arg411Gln; replaces arginine 411 with glutamine.
Molecular consequence: missense variant.
Genome position (GRCh38, 1-based): chr11:102,227,537, G>A. VCF-style: chr11-102227537-G-A. GRCh37 (hg19) VCF-style: chr11-102098268-G-A.
Other names: c.1118G>A, p.Arg373Gln (NM_001282097.2); c.1082G>A, p.Arg361Gln (NM_001282098.2); c.1130G>A, p.Arg377Gln (NM_001282099.2); c.1196G>A, p.Arg399Gln (NM_001282100.2); c.1244G>A, p.Arg415Gln (NM_001282101.2); c.1070G>A, p.Arg357Gln (NM_006106.5); c.1184G>A, p.Arg395Gln (NM_001195044.2); c.698G>A, p.Arg233Gln (NM_001195045.2); short protein forms R395Q, R411Q, R233Q, R361Q, R373Q, R377Q, R399Q, R415Q.
Identifiers: ClinVar variation 3712016 (VCV003712016.2).

ClinVar aggregate classification (germline): Uncertain significance (1 of 4 stars; one submission).

gnomAD v4.1: 7 of 1,613,850 alleles (0.00043%); highest among the groups gnomAD compares: Admixed American, 0.0033%; no homozygotes.

Submission:

Labcorp Genetics (formerly Invitae), Labcorp
Classification: Uncertain significance. Last evaluated: 2024-10-27. Review status: criteria provided, single submitter. Criteria: Invitae Variant Classification Sherloc (09022015). Collection method: clinical testing. Allele origin: germline.
Comment: This sequence change replaces arginine, which is basic and polar, with glutamine, which is neutral and polar, at codon 411 of the YAP1 protein (p.Arg411Gln). This variant is present in population databases (no rsID available, gnomAD 0.003%). This variant has not been reported in the literature in individuals affected with YAP1-related conditions. Invitae Evidence Modeling of protein sequence and biophysical properties (such as structural, functional, and spatial information, amino acid conservation, physicochemical variation, residue mobility, and thermodynamic stability) indicates that this missense variant is not expected to disrupt YAP1 protein function with a negative predictive value of 80%. In summary, the available evidence is currently insufficient to determine the role of this variant in disease. Therefore, it has been classified as a Variant of Uncertain Significance.